The following is an entry in ClinVar:

ClinVar aggregate classification (germline): Uncertain significance. Review status: criteria provided, single submitter (1 of 4 stars). 2 submissions from 2 submitters: Uncertain significance (1). 1 of the submissions does not count toward it. Last evaluated 2022-09-06.

Conditions:
Usher syndrome type 1 (USH1). Also called: RETINITIS PIGMENTOSA AND CONGENITAL DEAFNESS. Identifiers: Orphanet 231169, Orphanet 886, MedGen C1568247, MONDO:0010168, OMIM 276900.

Allele frequency attached by ClinVar (database versions not stated): TOPMed 0.00001.
gnomAD v4.1: 1 of 1,591,062 alleles (0.000063%); highest among the groups gnomAD compares: Non-Finnish European, 0.000086%; no homozygotes.

Submissions (2):

Labcorp Genetics (formerly Invitae), Labcorp
Classification: Uncertain significance. Last evaluated: 2022-09-06. Review status: criteria provided, single submitter. Criteria: Invitae Variant Classification Sherloc (09022015). Collection method: clinical testing. Allele origin: germline.
Comment: This sequence change replaces valine, which is neutral and non-polar, with leucine, which is neutral and non-polar, at codon 567 of the CDH23 protein (p.Val567Leu). This variant is not present in population databases (gnomAD no frequency). This variant has not been reported in the literature in individuals affected with CDH23-related conditions. ClinVar contains an entry for this variant (Variation ID: 969718). Algorithms developed to predict the effect of missense changes on protein structure and function are either unavailable or do not agree on the potential impact of this missense change (SIFT: "Tolerated"; PolyPhen-2: "Not Available"; Align-GVGD: "Class C0"). In summary, the available evidence is currently insufficient to determine the role of this variant in disease. Therefore, it has been classified as a Variant of Uncertain Significance.

Natera, Inc.
Classification: Uncertain significance for Usher syndrome type 1. Last evaluated: 2020-07-29. Review status: no assertion criteria provided. Collection method: clinical testing. Allele origin: germline. Not counted in ClinVar's aggregate classification.

NM_022124.6(CDH23):c.1699G>T (p.Val567Leu)

Gene: CDH23 (cadherin related 23; plus strand). Cytogenetic location: 10q22.1.
Variant type: single nucleotide variant.
Coding change: c.1699G>T on transcript NM_022124.6 (MANE Select); coding-DNA position 1699, G replaced by T.
Protein change: p.Val567Leu; replaces valine 567 with leucine.
Molecular consequence: missense variant.
Genome position (GRCh38, 1-based): chr10:71,677,640, G>T. VCF-style: chr10-71677640-G-T. GRCh37 (hg19) VCF-style: chr10-73437397-G-T.
Other names: c.1699G>T, p.Val567Leu (NM_001171930.2, NM_001171931.2); short protein forms V567L.
Identifiers: ClinVar variation 969718 (VCV000969718.8), dbSNP rs377148854, ClinGen allele CA377130652.